The following is an entry in ClinVar:

NM_004360.5(CDH1):c.-44G>A

Genes: CDH1 (cadherin 1; plus strand), LOC130059290 (ATAC-STARR-seq lymphoblastoid silent region 7650; plus strand). Cytogenetic location: 16q22.1.
Variant type: single nucleotide variant.
Coding change: c.-44G>A on transcript NM_004360.5 (MANE Select); 44 bases upstream of the start codon, G replaced by A.
Molecular consequence: 5 prime UTR variant.
Genome position (GRCh38, 1-based): chr16:68,737,372, G>A. VCF-style: chr16-68737372-G-A. GRCh37 (hg19) VCF-style: chr16-68771275-G-A.
Other names: c.-44G>A (LRG_301t1, NM_001317184.2, NM_004360.4); c.-1659G>A (NM_001317185.2); c.-1863G>A (NM_001317186.2).
Identifiers: ClinVar variation 279744 (VCV000279744.3), dbSNP rs886041159, ClinGen allele CA10603546.
Genomic context (GRCh38, chr16:68,737,372, plus strand): 5'-GCACCTGTGAGCTTGCGGAAGTCAGTTCAGACTCCAGCCCGCTCCAGCCCGGCCCGACCC[G>A]ACCGCACCCGGCGCCTGCCCTCGCTCGGCGTCCCCGGCCAGCCATGGGCCCTTGGAGCCG-3'

ClinVar aggregate classification (germline): Uncertain significance. Review status: criteria provided, multiple submitters, no conflicts (2 of 4 stars). 2 submissions from 2 submitters: Uncertain significance (2). Last evaluated 2022-08-01.

Conditions:
Hereditary diffuse gastric adenocarcinoma (HDGC). Also called: DIFFUSE GASTRIC AND LOBULAR BREAST CANCER SYNDROME. Identifiers: Orphanet 26106, MedGen C1708349, MONDO:0007648, OMIM 137215.

Allele frequency attached by ClinVar (database versions not stated): gnomAD exomes 0.00001 and 0.00002; gnomAD 0.00004; TOPMed 0.00006; 1000 Genomes Project 30x 0.00016.
gnomAD v4.1: 24 of 1,517,956 alleles (0.0016%); highest among the groups gnomAD compares: Middle Eastern, 0.023%; no homozygotes.

Submissions (2):

European Reference Network on Genetic Tumour Risk Syndromes (ERN-GENTURIS), i3s - Instituto de Investigação e Inovação em Saúde, University of Porto
Classification: Uncertain significance for Hereditary diffuse gastric adenocarcinoma. Last evaluated: 2022-08-01. Review status: criteria provided, single submitter. Criteria: Lee et al. (Hum Mutat. 2018). Collection method: clinical testing. Allele origin: germline. Inheritance: Autosomal dominant inheritance. Affected: no. Study: ERN GENTURIS.
Comment: Not applicable criteria (PMID: 30311375)

GeneDx
Classification: Uncertain significance. Last evaluated: 2016-08-16. Review status: criteria provided, single submitter. Criteria: GeneDx Variant Classification (06012015). Collection method: clinical testing. Allele origin: germline. Affected: yes.
Comment: This variant is denoted CDH1 c.-44G>A, and describes a nucleotide substitution 44 base pairs upstream of the CDH1 ATG translational start site in the 5' untranslated region (UTR). The surrounding sequence, with the base that is substituted in braces, is ACCC[G/A]ACCG. This variant has not, to our knowledge, been published in the literature as pathogenic or benign. This variant does not appear to affect the start codon or the Kozak translational consensus sequence. CDH1 c.-44G>A was not observed in approximately 6,500 individuals of European and African American ancestry in the NHLBI Exome Sequencing Project, suggesting it is not a common benign variant in these populations, and the base that is altered, a guanine (G) is not conserved. Based on currently available information, it is unclear whether CDH1 c.-44G>A is pathogenic or benign. We consider it to be a variant of uncertain significance.

Literature cited by the submitters: PubMed 36436516 (cited by European Reference Network on Genetic Tumour Risk Syndromes (ERN-GENTURIS), i3s - Instituto de Investigação e Inovação em Saúde, University of Porto).